The following is an entry in ClinVar:

NM_018896.5(CACNA1G):c.4071C>T (p.Ser1357=)

Gene: CACNA1G (calcium voltage-gated channel subunit alpha1 G; plus strand). Cytogenetic location: 17q21.33.
Variant type: single nucleotide variant.
Coding change: c.4071C>T on transcript NM_018896.5 (MANE Select); coding-DNA position 4071, C replaced by T.
Protein change: p.Ser1357=; no amino-acid change (serine 1357 retained).
Molecular consequence: synonymous variant. On other transcripts: non-coding transcript variant (5).
Genome position (GRCh38, 1-based): chr17:50,603,101, C>T. VCF-style: chr17-50603101-C-T. GRCh37 (hg19) VCF-style: chr17-48680462-C-T.
Other names: c.4071C>T, p.Ser1357= (NM_001256324.2, NM_001256325.2, NM_001256326.2 and 16 more transcripts); c.4002C>T, p.Ser1334= (NM_001256332.2, NM_198376.3, NM_198379.3 and 5 more transcripts).
Identifiers: ClinVar variation 2647922 (VCV002647922.24), dbSNP rs201938550, ClinGen allele CA8652930.

ClinVar aggregate classification (germline): Likely benign (1 of 4 stars; one submission).

Allele frequency attached by ClinVar (database versions not stated): ExAC 0.00002; gnomAD 0.00004; TOPMed 0.00004; gnomAD exomes 0.00007; 1000 Genomes Project 0.00020; 1000 Genomes Project 30x 0.00031.
gnomAD v4.1: 109 of 1,613,506 alleles (0.0068%); highest among the groups gnomAD compares: Non-Finnish European, 0.0084%; no homozygotes.

Submission:

CeGaT Center for Human Genetics Tuebingen
Classification: Likely benign. Last evaluated: 2022-06-01. Review status: criteria provided, single submitter. Criteria: CeGaT Center For Human Genetics Tuebingen Variant Classification Criteria Version 2. Collection method: clinical testing. Allele origin: germline. Affected: yes. Observed: 1 variant allele.
Comment: CACNA1G: BP4, BP7